The following is an entry in ClinVar:

NM_001370259.2(MEN1):c.496C>A (p.Gln166Lys)

Gene: MEN1 (menin 1; minus strand). Cytogenetic location: 11q13.1.
Variant type: single nucleotide variant.
Coding change: c.496C>A on transcript NM_001370259.2 (MANE Select); coding-DNA position 496, C replaced by A.
Protein change: p.Gln166Lys; replaces glutamine 166 with lysine.
Molecular consequence: missense variant.
Genome position (GRCh38, 1-based): chr11:64,808,049, G>T on the plus strand (C>A on the coding strand, the complement: MEN1 is on the minus strand). VCF-style: chr11-64808049-G-T. GRCh37 (hg19) VCF-style: chr11-64575521-G-T.
Other names: c.496C>A (NM_130799.2); c.511C>A, p.Gln171Lys (NM_000244.4, NM_130800.3, NM_130801.3 and 3 more transcripts); c.496C>A, p.Gln166Lys (NM_001370251.2, NM_001370260.2, NM_001370261.2 and 3 more transcripts); short protein forms Q171K, Q166K.
Identifiers: ClinVar variation 1495469 (VCV001495469.9), dbSNP rs1565648511, ClinGen allele CA381186097.
Genomic context (GRCh38, chr11:64,808,049, plus strand): 5'-ACACTACCCAGGCATGATCCTCAGACAGGGCGAGGTGGACATCCCGGAGACCCAGGGCCT[G>T]GCAGGCCCCAACCACAGCAAAGGCCACACCGGAGCTGTCCAATTTGGTGCCTGTGGAAGG-3'
Protein context (NP_001357188.2, residues 156-176): GVAFAVVGAC[Gln166Lys]ALGLRDVHLA

ClinVar aggregate classification (germline): Uncertain significance. Review status: criteria provided, multiple submitters, no conflicts (2 of 4 stars). 2 submissions from 2 submitters: Uncertain significance (2). Last evaluated 2025-07-30.

Conditions:
Hereditary cancer-predisposing syndrome. Also called: Tumor predisposition; Hereditary neoplastic syndrome; Neoplastic Syndromes, Hereditary; Hereditary Cancer Syndrome. Identifiers: Orphanet 140162, MedGen C0027672, MeSH D009386, MONDO:0015356.
Multiple endocrine neoplasia, type 1 (MEN1). Also called: MEN I; WERMER SYNDROME; Endocrine adenomatosis multiple; MEN 1; MEA I. Identifiers: Orphanet 652, MedGen C0025267, MeSH D018761, MONDO:0007540, OMIM 131100.

Submissions (2):

Ambry Genetics
Classification: Uncertain significance for Hereditary cancer-predisposing syndrome. Last evaluated: 2025-07-30. Review status: criteria provided, single submitter. Criteria: Ambry Variant Classification Scheme 2023. Collection method: clinical testing. Allele origin: germline.
Comment: The p.Q166K variant (also known as c.496C>A), located in coding exon 2 of the MEN1 gene, results from a C to A substitution at nucleotide position 496. The glutamine at codon 166 is replaced by lysine, an amino acid with similar properties. This amino acid position is highly conserved in available vertebrate species. In addition, this alteration is predicted to be deleterious by in silico analysis. Based on the available evidence, the clinical significance of this variant remains unclear.

Labcorp Genetics (formerly Invitae), Labcorp
Classification: Uncertain significance for Multiple endocrine neoplasia, type 1. Last evaluated: 2022-10-17. Review status: criteria provided, single submitter. Criteria: Invitae Variant Classification Sherloc (09022015). Collection method: clinical testing. Allele origin: germline.
Comment: In summary, the available evidence is currently insufficient to determine the role of this variant in disease. Therefore, it has been classified as a Variant of Uncertain Significance. Advanced modeling of protein sequence and biophysical properties (such as structural, functional, and spatial information, amino acid conservation, physicochemical variation, residue mobility, and thermodynamic stability) performed at Invitae indicates that this missense variant is expected to disrupt MEN1 protein function. ClinVar contains an entry for this variant (Variation ID: 1495469). This variant has not been reported in the literature in individuals affected with MEN1-related conditions. This variant is not present in population databases (gnomAD no frequency). This sequence change replaces glutamine, which is neutral and polar, with lysine, which is basic and polar, at codon 166 of the MEN1 protein (p.Gln166Lys).